The following is an entry in ClinVar:

NM_000081.4(LYST):c.4866G>T (p.Lys1622Asn)

Gene: LYST (lysosomal trafficking regulator; minus strand). Cytogenetic location: 1q42.3.
Variant type: single nucleotide variant.
Coding change: c.4866G>T on transcript NM_000081.4 (MANE Select); coding-DNA position 4866, G replaced by T.
Protein change: p.Lys1622Asn; replaces lysine 1622 with asparagine.
Molecular consequence: missense variant.
Genome position (GRCh38, 1-based): chr1:235,782,084, C>A on the plus strand (G>T on the coding strand, the complement: LYST is on the minus strand). VCF-style: chr1-235782084-C-A. GRCh37 (hg19) VCF-style: chr1-235945384-C-A.
Other names: c.4866G>T (NM_000081.2); c.4866G>T, p.Lys1622Asn (NM_001301365.1); short protein forms K1622N.
Identifiers: ClinVar variation 1504764 (VCV001504764.6), dbSNP rs150727233, ClinGen allele CA1466732.

ClinVar aggregate classification (germline): Uncertain significance. Review status: criteria provided, multiple submitters, no conflicts (2 of 4 stars). 2 submissions from 2 submitters: Uncertain significance (2). Last evaluated 2024-06-17.

Conditions:
Inborn genetic diseases. Identifiers: MedGen C0950123, MeSH D030342.
Chédiak-Higashi syndrome (CHS). Also called: Chediak-Higashi Syndrome. Identifiers: Orphanet 167, MedGen C0007965, MONDO:0008963, OMIM 214500.

Allele frequency attached by ClinVar (database versions not stated): ExAC 0.00001; ESP Exome Variant Server 0.00008.

Submissions (2):

Ambry Genetics
Classification: Uncertain significance for Inborn genetic diseases. Last evaluated: 2024-06-17. Review status: criteria provided, single submitter. Criteria: Ambry Variant Classification Scheme 2023. Collection method: clinical testing. Allele origin: germline.

Labcorp Genetics (formerly Invitae), Labcorp
Classification: Uncertain significance for Chédiak-Higashi syndrome. Last evaluated: 2022-06-13. Review status: criteria provided, single submitter. Criteria: Invitae Variant Classification Sherloc (09022015). Collection method: clinical testing. Allele origin: germline.
Comment: In summary, the available evidence is currently insufficient to determine the role of this variant in disease. Therefore, it has been classified as a Variant of Uncertain Significance. Algorithms developed to predict the effect of sequence changes on RNA splicing suggest that this variant may disrupt the consensus splice site. Algorithms developed to predict the effect of missense changes on protein structure and function (SIFT, PolyPhen-2, Align-GVGD) all suggest that this variant is likely to be tolerated. This variant has not been reported in the literature in individuals affected with LYST-related conditions. This variant is not present in population databases (gnomAD no frequency). This sequence change replaces lysine, which is basic and polar, with asparagine, which is neutral and polar, at codon 1622 of the LYST protein (p.Lys1622Asn).